The following is an entry in ClinVar:

NM_031466.8(TRAPPC9):c.-258_-257del

Gene: TRAPPC9 (trafficking protein particle complex subunit 9; minus strand). Cytogenetic location: 8q24.3.
Variant type: Deletion.
Coding change: c.-258_-257del on transcript NM_031466.8; 258 bases upstream of the start codon through 257 bases upstream of the start codon, 2 bases deleted (AG; older notation c.-258_-257delAG).
Molecular consequence: 5 prime UTR variant.
Genome position (GRCh38, 1-based): chr8:140,458,527-140,458,528, CT deleted on the plus strand (AG on the coding strand, the reverse complement: TRAPPC9 is on the minus strand). VCF-style (leftmost placement, unchanged base first): chr8-140458526-CCT-C. GRCh37 (hg19) VCF-style: chr8-141468625-CCT-C.
Other names: c.-258_-257delAG (NM_031466.8).
Identifiers: ClinVar variation 1424373 (VCV001424373.8), dbSNP rs1402095850, ClinGen allele CA585318093.

ClinVar aggregate classification (germline): Conflicting classifications of pathogenicity. Review status: criteria provided, conflicting classifications (1 of 4 stars). 3 submissions from 3 submitters: Pathogenic (1); Likely pathogenic (1); Uncertain significance (1). Last evaluated 2025-11-13.

Allele frequency attached by ClinVar (database versions not stated): gnomAD exomes 0.00001 and below 0.00001; gnomAD 0.00002; TOPMed 0.00002.

Submissions (3):

Women's Health and Genetics/Laboratory Corporation of America, LabCorp
Classification: Uncertain significance. Last evaluated: 2025-11-13. Review status: criteria provided, single submitter. Criteria: LabCorp Variant Classification Summary - May 2015. Collection method: clinical testing. Allele origin: germline.
Comment: Variant summary: TRAPPC9 c.-258_-257delAG is located in the untranslated mRNA region upstream of the initiation codon. The variant allele was found at a frequency of 5.1e-06 in 197738 control chromosomes. The available data on variant occurrences in the general population are insufficient to allow any conclusion about variant significance. To our knowledge, no occurrence of c.-258_-257delAG in individuals affected with TRAPPC9-related conditions and no experimental evidence demonstrating its impact on protein function have been reported. ClinVar contains an entry for this variant (Variation ID: 1424373). Based on the evidence outlined above, the variant was classified as uncertain significance.

GeneDx
Classification: Likely pathogenic. Last evaluated: 2024-03-01. Review status: criteria provided, single submitter. Criteria: GeneDx Variant Classification Process June 2021. Collection method: clinical testing. Allele origin: germline. Affected: yes.
Comment: Frameshift variant predicted to result in protein truncation or nonsense mediated decay in a gene for which loss-of-function is a known mechanism of disease; Has not been previously published as pathogenic or benign to our knowledge; Not observed at significant frequency in large population cohorts (gnomAD); This variant is associated with the following publications: (PMID: 27535533)

Labcorp Genetics (formerly Invitae), Labcorp
Classification: Pathogenic. Last evaluated: 2021-12-02. Review status: criteria provided, single submitter. Criteria: Invitae Variant Classification Sherloc (09022015). Collection method: clinical testing. Allele origin: germline.
Comment: For these reasons, this variant has been classified as Pathogenic. This variant has not been reported in the literature in individuals affected with TRAPPC9-related conditions. This variant is present in population databases (no rsID available, gnomAD 0.01%). This sequence change creates a premature translational stop signal (p.Arg13Glyfs*47) in the TRAPPC9 gene. It is expected to result in an absent or disrupted protein product. Loss-of-function variants in TRAPPC9 are known to be pathogenic (PMID: 2000476, 20004763, 20004764).

Literature cited by the submitters: PubMed 2000476 (cited by Labcorp Genetics (formerly Invitae), Labcorp); PubMed 20004763 (cited by Labcorp Genetics (formerly Invitae), Labcorp); PubMed 20004764 (cited by Labcorp Genetics (formerly Invitae), Labcorp).